The following is an entry in ClinVar:

NM_000138.5(FBN1):c.4345G>T (p.Glu1449Ter)

Gene: FBN1 (fibrillin 1; minus strand). Cytogenetic location: 15q21.1.
Variant type: single nucleotide variant.
Coding change: c.4345G>T on transcript NM_000138.5 (MANE Select); coding-DNA position 4345, G replaced by T.
Protein change: p.Glu1449Ter; replaces glutamic acid 1449 with a stop codon.
Molecular consequence: nonsense.
Genome position (GRCh38, 1-based): chr15:48,470,748, C>A on the plus strand (G>T on the coding strand, the complement: FBN1 is on the minus strand). VCF-style: chr15-48470748-C-A. GRCh37 (hg19) VCF-style: chr15-48762945-C-A.
Other names: c.4345G>T, p.Glu1449Ter (NM_001406716.1); short protein forms E1449*.
Identifiers: ClinVar variation 3759762 (VCV003759762.2).
Genomic context (GRCh38, chr15:48,470,748, plus strand): 5'-GGAACAGGCCAGGGAGGTTGTGGCAAGTTCCAAAGACACAGATGTTCGGAAGGGAGCACT[C>A]ATCAATATCTTGGGGGGAGGGAGAAAAAAGCAAAAAACTTAACTTATATTTTTCTAAAAA-3'

ClinVar aggregate classification (germline): Pathogenic (1 of 4 stars; one submission).

Conditions:
Marfan syndrome (MFS). Also called: MARFAN SYNDROME, TYPE I; Marfan syndrome type 1; Marfan's syndrome; Marfan syndrome, classic; FBN1-Related Marfan Syndrome. Identifiers: Orphanet 284963, Orphanet 558, MedGen C0024796, MONDO:0007947, OMIM 154700.
Familial thoracic aortic aneurysm and aortic dissection (TAAD). Also called: Thoracic aortic aneurysms and dissections. Identifiers: Orphanet 91387, MedGen C4707243, MONDO:0019625.

Submission:

Labcorp Genetics (formerly Invitae), Labcorp
Classification: Pathogenic for Marfan syndrome; Familial thoracic aortic aneurysm and aortic dissection. Last evaluated: 2024-11-12. Review status: criteria provided, single submitter. Criteria: Invitae Variant Classification Sherloc (09022015). Collection method: clinical testing. Allele origin: germline.
Comment: This sequence change creates a premature translational stop signal (p.Glu1449*) in the FBN1 gene. It is expected to result in an absent or disrupted protein product. Loss-of-function variants in FBN1 are known to be pathogenic (PMID: 17657824, 19293843). This variant is not present in population databases (gnomAD no frequency). This variant has not been reported in the literature in individuals affected with FBN1-related conditions. For these reasons, this variant has been classified as Pathogenic.

Literature cited by the submitters: PubMed 17657824; PubMed 19293843.